The following is an entry in ClinVar:

ClinVar aggregate classification (germline): Uncertain significance. Review status: criteria provided, single submitter (1 of 4 stars). 2 submissions from 2 submitters: Uncertain significance (1). 1 of the submissions does not count toward it. Last evaluated 2022-12-23.

Conditions:
Familial hypocalciuric hypercalcemia 1. Also called: Hypercalcemia, familial benign type 1. Identifiers: Orphanet 405, Orphanet 93372, MedGen C0342637, MONDO:0007791, OMIM 145980.
Autosomal dominant hypocalcemia 1 (HYPOC1). Also called: HYPOCALCEMIA, FAMILIAL. Identifiers: MedGen C3715128, MONDO:0011013, OMIM 601198.
Familial hypocalciuric hypercalcemia (FHH). Also called: Familial benign hypercalcemia. Identifiers: Orphanet 405, MedGen C1809471, MONDO:0018458.

Allele frequency attached by ClinVar (database versions not stated): gnomAD exomes below 0.00001.
gnomAD v4.1: 3 of 1,614,202 alleles (0.00019%); highest among the groups gnomAD compares: Non-Finnish European, 0.00025%; no homozygotes.

Submissions (2):

Labcorp Genetics (formerly Invitae), Labcorp
Classification: Uncertain significance for Familial hypocalciuric hypercalcemia; Autosomal dominant hypocalcemia 1. Last evaluated: 2022-12-23. Review status: criteria provided, single submitter. Criteria: Invitae Variant Classification Sherloc (09022015). Collection method: clinical testing. Allele origin: germline.
Comment: This sequence change replaces glutamine, which is neutral and polar, with lysine, which is basic and polar, at codon 193 of the CASR protein (p.Gln193Lys). This variant is not present in population databases (gnomAD no frequency). This variant has not been reported in the literature in individuals affected with CASR-related conditions. Algorithms developed to predict the effect of missense changes on protein structure and function (SIFT, PolyPhen-2, Align-GVGD) all suggest that this variant is likely to be disruptive. In summary, the available evidence is currently insufficient to determine the role of this variant in disease. Therefore, it has been classified as a Variant of Uncertain Significance.

Cardiovascular Genetics Laboratory, PathWest Laboratory Medicine WA - Fiona Stanley Hospital
Classification: Uncertain significance for Familial hypocalciuric hypercalcemia 1. Last evaluated: 2025-02-20. Review status: no assertion criteria provided. Criteria: ACMG Guidelines, 2015. Collection method: clinical testing. Allele origin: germline. Affected: yes. Not counted in ClinVar's aggregate classification.

NM_000388.4(CASR):c.577C>A (p.Gln193Lys)

Gene: CASR (calcium sensing receptor; plus strand). Cytogenetic location: 3q21.1.
Variant type: single nucleotide variant.
Coding change: c.577C>A on transcript NM_000388.4 (MANE Select); coding-DNA position 577, C replaced by A.
Protein change: p.Gln193Lys; replaces glutamine 193 with lysine.
Molecular consequence: missense variant.
Genome position (GRCh38, 1-based): chr3:122,261,612, C>A. VCF-style: chr3-122261612-C-A. GRCh37 (hg19) VCF-style: chr3-121980459-C-A.
Other names: c.577C>A, p.Gln193Lys (NM_001178065.2); short protein forms Q193K.
Identifiers: ClinVar variation 2942651 (VCV002942651.4), dbSNP rs1064793992, ClinGen allele CA354150884.
Genomic context (GRCh38, chr3:122,261,612, plus strand): 5'-CTCCTCAGCAACAAGAATCAATTCAAGTCTTTCCTCCGAACCATCCCCAATGATGAGCAC[C>A]AGGCCACTGCCATGGCAGACATCATCGAGTATTTCCGCTGGAACTGGGTGGGCACAATTG-3'
Protein context (NP_000379.3, residues 183-203): FLRTIPNDEH[Gln193Lys]ATAMADIIEY